The following is an entry in ClinVar:

NM_001349253.2(SCN11A):c.2774A>G (p.Asp925Gly)

Gene: SCN11A (sodium voltage-gated channel alpha subunit 11; minus strand). Cytogenetic location: 3p22.2.
Variant type: single nucleotide variant.
Coding change: c.2774A>G on transcript NM_001349253.2 (MANE Select); coding-DNA position 2774, A replaced by G.
Protein change: p.Asp925Gly; replaces aspartic acid 925 with glycine.
Molecular consequence: missense variant.
Genome position (GRCh38, 1-based): chr3:38,894,594, T>C on the plus strand (A>G on the coding strand, the complement: SCN11A is on the minus strand). VCF-style: chr3-38894594-T-C. GRCh37 (hg19) VCF-style: chr3-38936085-T-C.
Other names: c.2774A>G, p.Asp925Gly (NM_014139.3); c.2774A>G (NM_014139.2); short protein forms D925G.
Identifiers: ClinVar variation 1508148 (VCV001508148.10), dbSNP rs372745114, ClinGen allele CA2321970.

ClinVar aggregate classification (germline): Uncertain significance. Review status: criteria provided, multiple submitters, no conflicts (2 of 4 stars). 3 submissions from 3 submitters: Uncertain significance (3). Last evaluated 2026-04-10.

Conditions:
Hereditary sensory and autonomic neuropathy type 7. Also called: HSAN VII; Neuropathy, hereditary sensory and autonomic, type VII. Identifiers: Orphanet 391397, MedGen C3809882, MONDO:0014244, OMIM 615548.
Familial episodic pain syndrome with predominantly lower limb involvement. Also called: Episodic pain syndrome, familial, 3. Identifiers: Orphanet 391384, Orphanet 391392, MedGen C3809899, MONDO:0014247, OMIM 615552.
Inborn genetic diseases. Identifiers: MedGen C0950123, MeSH D030342.

Allele frequency attached by ClinVar (database versions not stated): ExAC 0.00002; ESP Exome Variant Server 0.00008; TOPMed below 0.00001; gnomAD exomes 0.00001 and below 0.00001.
gnomAD v4.1: 6 of 1,614,026 alleles (0.00037%); highest among the groups gnomAD compares: Non-Finnish European, 0.00051%; no homozygotes.

Submissions (3):

GeneDx
Classification: Uncertain significance. Last evaluated: 2026-04-10. Review status: criteria provided, single submitter. Criteria: GeneDx Variant Classification Process June 2021. Collection method: clinical testing. Allele origin: germline.
Comment: Not observed at significant frequency in large population cohorts (gnomAD); In silico analysis supports that this missense variant has a deleterious effect on protein structure/function; Has not been previously published as pathogenic or benign to our knowledge

Ambry Genetics
Classification: Uncertain significance for Inborn genetic diseases. Last evaluated: 2025-05-01. Review status: criteria provided, single submitter. Criteria: Ambry Variant Classification Scheme 2023. Collection method: clinical testing. Allele origin: germline.

Labcorp Genetics (formerly Invitae), Labcorp
Classification: Uncertain significance for Familial episodic pain syndrome with predominantly lower limb involvement; Hereditary sensory and autonomic neuropathy type 7. Last evaluated: 2023-12-30. Review status: criteria provided, single submitter. Criteria: Invitae Variant Classification Sherloc (09022015). Collection method: clinical testing. Allele origin: germline.
Comment: This sequence change replaces aspartic acid, which is acidic and polar, with glycine, which is neutral and non-polar, at codon 925 of the SCN11A protein (p.Asp925Gly). This variant is present in population databases (rs372745114, gnomAD 0.002%). This variant has not been reported in the literature in individuals affected with SCN11A-related conditions. ClinVar contains an entry for this variant (Variation ID: 1508148). Advanced modeling of protein sequence and biophysical properties (such as structural, functional, and spatial information, amino acid conservation, physicochemical variation, residue mobility, and thermodynamic stability) performed at Invitae indicates that this missense variant is not expected to disrupt SCN11A protein function with a negative predictive value of 80%. In summary, the available evidence is currently insufficient to determine the role of this variant in disease. Therefore, it has been classified as a Variant of Uncertain Significance.